The following is an entry in ClinVar:

NM_021629.4(GNB4):c.113A>G (p.Asp38Gly)

Gene: GNB4 (G protein subunit beta 4; minus strand). Cytogenetic location: 3q26.33.
Variant type: single nucleotide variant.
Coding change: c.113A>G on transcript NM_021629.4 (MANE Select); coding-DNA position 113, A replaced by G.
Protein change: p.Asp38Gly; replaces aspartic acid 38 with glycine.
Molecular consequence: missense variant.
Genome position (GRCh38, 1-based): chr3:179,419,489, T>C on the plus strand (A>G on the coding strand, the complement: GNB4 is on the minus strand). VCF-style: chr3-179419489-T-C. GRCh37 (hg19) VCF-style: chr3-179137277-T-C.
Other names: short protein forms D38G.
Identifiers: ClinVar variation 1163830 (VCV001163830.10), dbSNP rs187082127, ClinGen allele CA2712577.

ClinVar aggregate classification (germline): Conflicting classifications of pathogenicity. Review status: criteria provided, conflicting classifications (1 of 4 stars). 4 submissions from 4 submitters: Uncertain significance (3); Likely benign (1). Last evaluated 2026-03-16.

Conditions:
GNB4-related disorder. Also called: GNB4-related condition.
Inborn genetic diseases. Identifiers: MedGen C0950123, MeSH D030342.

Allele frequency attached by ClinVar (database versions not stated): TOPMed below 0.00001; gnomAD 0.00001; gnomAD exomes 0.00001; ExAC 0.00002; 1000 Genomes Project 0.00020; 1000 Genomes Project 30x 0.00031.
gnomAD v4.1: 15 of 1,602,700 alleles (0.00094%); highest among the groups gnomAD compares: African/African-American, 0.0013%; no homozygotes.

Submissions (4):

PreventionGenetics, part of Exact Sciences
Classification: Uncertain significance for GNB4-related condition. Last evaluated: 2026-03-16. Review status: criteria provided, single submitter. Criteria: ACMG Guidelines, 2015. Collection method: clinical testing. Allele origin: germline.
Comment: The GNB4 c.113A>G variant is predicted to result in the amino acid substitution p.Asp38Gly. To our knowledge, this variant has not been reported in the literature. This variant is reported in 0.0062% of alleles in individuals of African descent in gnomAD. At this time, the clinical significance of this variant is uncertain due to the absence of conclusive functional and genetic evidence.

Ambry Genetics
Classification: Uncertain significance for Inborn genetic diseases. Last evaluated: 2025-09-09. Review status: criteria provided, single submitter. Criteria: Ambry Variant Classification Scheme 2023. Collection method: clinical testing. Allele origin: germline.

Women's Health and Genetics/Laboratory Corporation of America, LabCorp
Classification: Likely benign. Last evaluated: 2025-02-25. Review status: criteria provided, single submitter. Criteria: LabCorp Variant Classification Summary - May 2015. Collection method: clinical testing. Allele origin: germline.
Comment: Variant summary: GNB4 c.113A>G (p.Asp38Gly) results in a non-conservative amino acid change in the encoded protein sequence. Three of five in-silico tools predict a damaging effect of the variant on protein function. The variant allele was found at a frequency of 9.4e-06 in 1602700 control chromosomes. The observed variant frequency is approximately 15 fold of the estimated maximal expected allele frequency for a pathogenic variant in GNB4 causing Charcot-Marie-Tooth disease dominant intermediate F phenotype (6.3e-07) (gnomAD database v4). To our knowledge, no occurrence of c.113A>G in individuals affected with Charcot-Marie-Tooth disease dominant intermediate F and no experimental evidence demonstrating its impact on protein function have been reported. ClinVar contains an entry for this variant (Variation ID: 1163830). Based on the evidence outlined above, the variant was classified as likely benign.

Mayo Clinic Laboratories, Mayo Clinic
Classification: Uncertain significance. Last evaluated: 2019-10-27. Review status: criteria provided, single submitter. Criteria: ACMG Guidelines, 2015. Collection method: clinical testing. Allele origin: germline. Observed: 1 variant allele.